The following is an entry in ClinVar:

NC_000010.10:g.(?_73466676)_(73467843_?)del

Gene: CDH23 (cadherin related 23; plus strand). Cytogenetic location: 10q22.1.
Variant type: Deletion.
Identifiers: ClinVar variation 2426732 (VCV002426732.4).

ClinVar aggregate classification (germline): Pathogenic (1 of 4 stars; one submission).

Submission:

Labcorp Genetics (formerly Invitae), Labcorp
Classification: Pathogenic. Last evaluated: 2022-08-20. Review status: criteria provided, single submitter. Criteria: Invitae Variant Classification Sherloc (09022015). Collection method: clinical testing. Allele origin: germline.
Comment: For these reasons, this variant has been classified as Pathogenic. This variant disrupts a region of the CDH23 protein in which other variant(s) (p.Glu1006Lys) have been determined to be pathogenic (PMID: 21940737, 25231367, 25404053, 25425308). This suggests that this is a clinically significant region of the protein, and that variants that disrupt it are likely to be disease-causing. This variant has not been reported in the literature in individuals affected with CDH23-related conditions. This variant results in the deletion of part of exon 26 (c.2976_3107-1012del) of the CDH23 gene. It is expected to disrupt RNA splicing. Variants that disrupt the donor or acceptor splice site typically lead to a loss of protein function (PMID: 16199547), and loss-of-function variants in CDH23 are known to be pathogenic (PMID: 11138009, 21940737).

Literature cited by the submitters: PubMed 21940737; PubMed 25231367; PubMed 25404053; PubMed 25425308; PubMed 16199547; PubMed 11138009.